The following is an entry in ClinVar:

ClinVar aggregate classification (germline): Uncertain significance. Review status: criteria provided, multiple submitters, no conflicts (2 of 4 stars). 7 submissions from 7 submitters: Uncertain significance (6). 1 of the submissions does not count toward it. Last evaluated 2025-10-31.

Conditions:
HK1-related disorder. Also called: HK1-related condition; HK1-related disorders.
Inborn genetic diseases. Identifiers: MedGen C0950123, MeSH D030342.

Allele frequency attached by ClinVar (database versions not stated): ExAC 0.00005; gnomAD 0.00004; TOPMed 0.00003.

Submissions (7):

Labcorp Genetics (formerly Invitae), Labcorp
Classification: Uncertain significance. Last evaluated: 2025-10-31. Review status: criteria provided, single submitter. Criteria: Invitae Variant Classification Sherloc (09022015). Collection method: clinical testing. Allele origin: germline.
Comment: This sequence change replaces threonine, which is neutral and polar, with methionine, which is neutral and non-polar, at codon 503 of the HK1 protein (p.Thr503Met). This variant is present in population databases (rs755620381, gnomAD 0.007%). This variant has not been reported in the literature in individuals affected with HK1-related conditions. ClinVar contains an entry for this variant (Variation ID: 1003251). Invitae Evidence Modeling of protein sequence and biophysical properties (such as structural, functional, and spatial information, amino acid conservation, physicochemical variation, residue mobility, and thermodynamic stability) indicates that this missense variant is not expected to disrupt HK1 protein function with a negative predictive value of 80%. In summary, the available evidence is currently insufficient to determine the role of this variant in disease. Therefore, it has been classified as a Variant of Uncertain Significance.

Ambry Genetics
Classification: Uncertain significance for Inborn genetic diseases. Last evaluated: 2024-12-03. Review status: criteria provided, single submitter. Criteria: Ambry Variant Classification Scheme 2023. Collection method: clinical testing. Allele origin: germline.

Revvity Omics, Revvity
Classification: Uncertain significance. Last evaluated: 2024-05-29. Review status: criteria provided, single submitter. Criteria: ACMG Guidelines, 2015. Collection method: clinical testing. Allele origin: germline.

GeneDx
Classification: Uncertain significance. Last evaluated: 2023-07-12. Review status: criteria provided, single submitter. Criteria: GeneDx Variant Classification Process June 2021. Collection method: clinical testing. Allele origin: germline. Affected: yes.
Comment: In silico analysis supports that this missense variant has a deleterious effect on protein structure/function; Has not been previously published as pathogenic or benign to our knowledge in individuals affected with HK1-related conditions.; This variant is associated with the following publications: (PMID: 29618732, 27467583, 27093186)

Blueprint Genetics
Classification: Uncertain significance. Last evaluated: 2023-05-15. Review status: criteria provided, single submitter. Criteria: ACMG Guidelines, 2015. Collection method: clinical testing. Allele origin: germline.

Breakthrough Genomics
Classification: Uncertain significance. Review status: criteria provided, single submitter. Criteria: ACMG Guidelines, 2015. Collection method: not provided. Allele origin: germline. Inheritance: Autosomal recessive inheritance. Affected: yes.

PreventionGenetics, part of Exact Sciences
Classification: Uncertain significance for HK1-related condition. Last evaluated: 2024-08-29. Review status: no assertion criteria provided. Collection method: clinical testing. Allele origin: germline. Not counted in ClinVar's aggregate classification.
Comment: The HK1 c.1508C>T variant is predicted to result in the amino acid substitution p.Thr503Met. To our knowledge, this variant has not been reported in the literature. This variant is reported in 0.0079% of alleles in individuals of European (Non-Finnish) descent in gnomAD. At this time, the clinical significance of this variant is uncertain due to the absence of conclusive functional and genetic evidence.

NM_000188.3(HK1):c.1508C>T (p.Thr503Met)

Gene: HK1 (hexokinase 1; plus strand). Cytogenetic location: 10q22.1.
Variant type: single nucleotide variant.
Coding change: c.1508C>T on transcript NM_000188.3 (MANE Select); coding-DNA position 1508, C replaced by T.
Protein change: p.Thr503Met; replaces threonine 503 with methionine.
Molecular consequence: missense variant.
Genome position (GRCh38, 1-based): chr10:69,382,729, C>T. VCF-style: chr10-69382729-C-T. GRCh37 (hg19) VCF-style: chr10-71142485-C-T.
Other names: c.1508C>T (NM_000188.2); c.1520C>T, p.Thr507Met (NM_001322364.2, NM_001358263.1, NM_033497.3 and 1 more transcripts); c.1613C>T, p.Thr538Met (NM_001322365.2); c.1424C>T, p.Thr475Met (NM_001322366.1); c.1412C>T, p.Thr471Met (NM_001322367.1); c.1505C>T, p.Thr502Met (NM_033496.3); c.1472C>T, p.Thr491Met (NM_033500.2); short protein forms T471M, T475M, T491M, T502M, T503M, T507M, T538M.
Identifiers: ClinVar variation 1003251 (VCV001003251.14), dbSNP rs755620381, ClinGen allele CA5532612.